The following is an entry in ClinVar:

ClinVar aggregate classification (germline): Likely benign (0 of 4 stars; one submission).

Conditions:
RALGAPA1-related disorder. Also called: RALGAPA1-related condition.

Submission:

PreventionGenetics, part of Exact Sciences
Classification: Likely benign for RALGAPA1-related condition. Last evaluated: 2023-03-19. Review status: no assertion criteria provided. Collection method: clinical testing. Allele origin: germline.
Comment: This variant is classified as likely benign based on ACMG/AMP sequence variant interpretation guidelines (Richards et al. 2015 PMID: 25741868, with internal and published modifications).

NM_001346249.2(RALGAPA1):c.5996-9dup

Gene: RALGAPA1 (Ral GTPase activating protein catalytic subunit alpha 1; minus strand). Cytogenetic location: 14q13.2.
Variant type: Duplication.
Coding change: c.5996-9dup on transcript NM_001346249.2 (MANE Select); 9 bases into the intron before coding-DNA position 5996, one base duplicated (T; older notation c.5996-9dupT).
Molecular consequence: intron variant.
Genome position (GRCh38, 1-based): chr14:35,627,960, A duplicated on the plus strand (T on the coding strand, the reverse complement: RALGAPA1 is on the minus strand); the first of 6 consecutive A bases (chr14:35,627,960-35,627,965); duplicating any one gives the same sequence. VCF-style (leftmost placement, unchanged base first): chr14-35627959-T-TA. GRCh37 (hg19) VCF-style: chr14-36097165-T-TA.
Other names: c.4478-9dup (NM_194301.4, NM_001346246.2, NM_014990.3 and 1 more transcripts); c.4517-9dup (NM_001283043.3); c.5855-9dup (NM_001330075.3, NM_001346248.2); c.4619-9dup (NM_001346247.2, NM_001283044.3, NM_001346245.2).
Identifiers: ClinVar variation 3038820 (VCV003038820.2), dbSNP rs757409526, ClinGen allele CA7156321.